The following is an entry in ClinVar:

NM_182914.3(SYNE2):c.1880C>A (p.Thr627Asn)

Gene: SYNE2 (spectrin repeat containing nuclear envelope protein 2; plus strand). Cytogenetic location: 14q23.2.
Variant type: single nucleotide variant.
Coding change: c.1880C>A on transcript NM_182914.3 (MANE Select); coding-DNA position 1880, C replaced by A.
Protein change: p.Thr627Asn; replaces threonine 627 with asparagine.
Molecular consequence: missense variant.
Genome position (GRCh38, 1-based): chr14:63,982,673, C>A. VCF-style: chr14-63982673-C-A. GRCh37 (hg19) VCF-style: chr14-64449391-C-A.
Other names: c.1880C>A, p.Thr627Asn (NM_015180.6); short protein forms T627N.
Identifiers: ClinVar variation 3697275 (VCV003697275.2).

ClinVar aggregate classification (germline): Uncertain significance (1 of 4 stars; one submission).

Conditions:
Emery-Dreifuss muscular dystrophy 5, autosomal dominant (EDMD5). Also called: EMERY-DREIFUSS MUSCULAR DYSTROPHY 5. Identifiers: Orphanet 261, MedGen C2751805, MONDO:0013072, OMIM 612999.

gnomAD v4.1: 7 of 1,613,948 alleles (0.00043%); highest among the groups gnomAD compares: Non-Finnish European, 0.00059%; no homozygotes.

Submission:

Labcorp Genetics (formerly Invitae), Labcorp
Classification: Uncertain significance for Emery-Dreifuss muscular dystrophy 5, autosomal dominant. Last evaluated: 2024-07-30. Review status: criteria provided, single submitter. Criteria: Invitae Variant Classification Sherloc (09022015). Collection method: clinical testing. Allele origin: germline.
Comment: This sequence change replaces threonine, which is neutral and polar, with asparagine, which is neutral and polar, at codon 627 of the SYNE2 protein (p.Thr627Asn). This variant is present in population databases (no rsID available, gnomAD 0.0009%). This variant has not been reported in the literature in individuals affected with SYNE2-related conditions. An algorithm developed to predict the effect of missense changes on protein structure and function (PolyPhen-2) suggests that this variant is likely to be disruptive. In summary, the available evidence is currently insufficient to determine the role of this variant in disease. Therefore, it has been classified as a Variant of Uncertain Significance.